The following is an entry in ClinVar:

ClinVar aggregate classification (germline): Likely benign (1 of 4 stars; one submission).

gnomAD v4.1: 4 of 1,614,238 alleles (0.00025%); highest among the groups gnomAD compares: African/African-American, 0.0013%; no homozygotes.

Submission:

CeGaT Center for Human Genetics Tuebingen
Classification: Likely benign. Last evaluated: 2025-01-01. Review status: criteria provided, single submitter. Criteria: CeGaT Center For Human Genetics Tuebingen Variant Classification Criteria Version 2. Collection method: clinical testing. Allele origin: germline. Affected: yes. Observed: 1 variant allele.
Comment: EP300: BP4

NM_001429.4(EP300):c.4953C>T (p.Thr1651=)

Gene: EP300 (EP300 lysine acetyltransferase; plus strand). Cytogenetic location: 22q13.2.
Variant type: single nucleotide variant.
Coding change: c.4953C>T on transcript NM_001429.4 (MANE Select); coding-DNA position 4953, C replaced by T.
Protein change: p.Thr1651=; no amino-acid change (threonine 1651 retained).
Molecular consequence: synonymous variant.
Genome position (GRCh38, 1-based): chr22:41,176,420, C>T. VCF-style: chr22-41176420-C-T. GRCh37 (hg19) VCF-style: chr22-41572424-C-T.
Other names: c.4875C>T, p.Thr1625= (NM_001362843.2).
Identifiers: ClinVar variation 3771642 (VCV003771642.13).